The following is an entry in ClinVar:

NM_024334.3(TMEM43):c.253G>A (p.Glu85Lys)

Gene: TMEM43 (transmembrane protein 43; plus strand). Cytogenetic location: 3p25.1.
Variant type: single nucleotide variant.
Coding change: c.253G>A on transcript NM_024334.3 (MANE Select); coding-DNA position 253, G replaced by A.
Protein change: p.Glu85Lys; replaces glutamic acid 85 with lysine.
Molecular consequence: missense variant.
Genome position (GRCh38, 1-based): chr3:14,130,912, G>A. VCF-style: chr3-14130912-G-A. GRCh37 (hg19) VCF-style: chr3-14172412-G-A.
Other names: E85K.
Identifiers: ClinVar variation 40870 (VCV000040870.3), dbSNP rs397514044, ClinGen allele CA024638.

ClinVar aggregate classification (germline): Uncertain significance. Review status: criteria provided, single submitter (1 of 4 stars). 2 submissions from 2 submitters: Uncertain significance (1). 1 of the submissions does not count toward it. Last evaluated 2024-07-29.

Conditions:
Emery-Dreifuss muscular dystrophy 7, autosomal dominant (EDMD7). Also called: Emery-Dreifuss muscular dystrophy 7, AD. Identifiers: Orphanet 261, MedGen C3553060, MONDO:0013677, OMIM 614302.
Arrhythmogenic right ventricular dysplasia 5. Also called: Arrhythmogenic Right Ventricular Dysplasia/Cardiomyopathy 5; ARRHYTHMOGENIC RIGHT VENTRICULAR DYSPLASIA, FAMILIAL, 5. Identifiers: MedGen C1858379, MONDO:0011459, OMIM 604400.

Allele frequency attached by ClinVar (database versions not stated): ExAC 0.00001; gnomAD exomes below 0.00001.

Submissions (2):

All of Us Research Program, National Institutes of Health
Classification: Uncertain significance for Arrhythmogenic right ventricular dysplasia 5. Last evaluated: 2024-07-29. Review status: criteria provided, single submitter. Criteria: ACMG Guidelines, 2015. Collection method: clinical testing. Allele origin: germline. Inheritance: Autosomal dominant inheritance. Observed: 1 variant allele, 1 heterozygote.
Comment: This missense variant replaces glutamic acid with lysine at codon 85 of the TMEM43 protein. Computational prediction tools indicate that this variant has a neutral impact on protein structure and function. An vitro functional study using transfected HeLa cells has shown that variant causes disrupted oligomerization of nuclear envelope protein LUMA (PMID: 21391237). This variant has been reported in individuals affected with Emery-Dreifuss muscular dystrophy (PMID: 21391237, 30311943). This variant has been identified in 1/250700 chromosomes in the general population by the Genome Aggregation Database (gnomAD). The available evidence is insufficient to determine the role of this variant in disease conclusively. Therefore, this variant is classified as a Variant of Uncertain Significance.

This study involves interpretation of variants in research participants for the purpose of population health screening. Participant phenotype was not available at the time of variant classification. Additional details can be found in publication PMID: 35346344, PMCID: PMC8962531

OMIM
Classification: Pathogenic for EMERY-DREIFUSS MUSCULAR DYSTROPHY 7, AUTOSOMAL DOMINANT. Last evaluated: 2011-06-01. Review status: no assertion criteria provided. Collection method: literature only. Allele origin: germline. Not counted in ClinVar's aggregate classification.

Literature cited by the submitters: PubMed 21391237 (cited by All of Us Research Program, National Institutes of Health and OMIM); PubMed 30311943 (cited by All of Us Research Program, National Institutes of Health).